The following is an entry in ClinVar:

ClinVar aggregate classification (germline): Uncertain significance (1 of 4 stars; one submission).

Conditions:
Autosomal recessive limb-girdle muscular dystrophy type R18 (LGMDR18). Also called: MUSCULAR DYSTROPHY, LIMB-GIRDLE, AUTOSOMAL RECESSIVE 18; Autosomal recessive limb-girdle muscular dystrophy type 2S; Limb-girdle muscular dystrophy, type 2S. Identifiers: Orphanet 369840, MedGen C4517996, MONDO:0014144, OMIM 615356.

Allele frequency attached by ClinVar (database versions not stated): TOPMed below 0.00001; gnomAD 0.00001.
gnomAD v4.1: 2 of 1,595,956 alleles (0.00013%); highest among the groups gnomAD compares: Non-Finnish European, 0.00017%; no homozygotes.

Submission:

Labcorp Genetics (formerly Invitae), Labcorp
Classification: Uncertain significance for Autosomal recessive limb-girdle muscular dystrophy type R18. Last evaluated: 2022-07-06. Review status: criteria provided, single submitter. Criteria: Invitae Variant Classification Sherloc (09022015). Collection method: clinical testing. Allele origin: germline.
Comment: This sequence change replaces arginine, which is basic and polar, with threonine, which is neutral and polar, at codon 248 of the TRAPPC11 protein (p.Arg248Thr). This variant is not present in population databases (gnomAD no frequency). This variant has not been reported in the literature in individuals affected with TRAPPC11-related conditions. ClinVar contains an entry for this variant (Variation ID: 541349). Algorithms developed to predict the effect of missense changes on protein structure and function (SIFT, PolyPhen-2, Align-GVGD) all suggest that this variant is likely to be tolerated. Algorithms developed to predict the effect of sequence changes on RNA splicing suggest that this variant may disrupt the consensus splice site. In summary, the available evidence is currently insufficient to determine the role of this variant in disease. Therefore, it has been classified as a Variant of Uncertain Significance.

NM_021942.6(TRAPPC11):c.743G>C (p.Arg248Thr)

Gene: TRAPPC11 (trafficking protein particle complex subunit 11; plus strand). Cytogenetic location: 4q35.1.
Variant type: single nucleotide variant.
Coding change: c.743G>C on transcript NM_021942.6 (MANE Select); coding-DNA position 743, G replaced by C.
Protein change: p.Arg248Thr; replaces arginine 248 with threonine.
Molecular consequence: missense variant.
Genome position (GRCh38, 1-based): chr4:183,677,466, G>C. VCF-style: chr4-183677466-G-C. GRCh37 (hg19) VCF-style: chr4-184598619-G-C.
Other names: c.743G>C, p.Arg248Thr (NM_199053.3); short protein forms R248T.
Identifiers: ClinVar variation 541349 (VCV000541349.8), dbSNP rs1441893342, ClinGen allele CA358861799.
Genomic context (GRCh38, chr4:183,677,466, plus strand): 5'-TAGAAATCGTTTATTAAACTAATTTATATCATTAACCACCCTCCTCATTTAGGAATTATA[G>C]GACCGCCTATAATCTTGTACACGAATTGAGAGCCCATGAAACTAATATTCTGGAAATTAA-3'
Protein context (NP_068761.4, residues 238-258): QDTQNALKNY[Arg248Thr]TAYNLVHELR